The following is an entry in ClinVar:

ClinVar aggregate classification (germline): Uncertain significance (1 of 4 stars; one submission).

Allele frequency attached by ClinVar (database versions not stated): gnomAD exomes below 0.00001.
gnomAD v4.1: 1 of 1,611,818 alleles (0.000062%); highest among the groups gnomAD compares: Non-Finnish European, 0.000085%; no homozygotes.

Submission:

Labcorp Genetics (formerly Invitae), Labcorp
Classification: Uncertain significance. Last evaluated: 2019-10-22. Review status: criteria provided, single submitter. Criteria: Invitae Variant Classification Sherloc (09022015). Collection method: clinical testing. Allele origin: germline.
Comment: This variant is not present in population databases (ExAC no frequency). In summary, the available evidence is currently insufficient to determine the role of this variant in disease. Therefore, it has been classified as a Variant of Uncertain Significance. Algorithms developed to predict the effect of missense changes on protein structure and function (SIFT, PolyPhen-2, Align-GVGD) all suggest that this variant is likely to be disruptive, but these predictions have not been confirmed by published functional studies and their clinical significance is uncertain. This variant has not been reported in the literature in individuals with AHR-related conditions. This sequence change replaces leucine with valine at codon 386 of the AHR protein (p.Leu386Val). The leucine residue is highly conserved and there is a small physicochemical difference between leucine and valine.

NM_001621.5(AHR):c.1156C>G (p.Leu386Val)

Gene: AHR (aryl hydrocarbon receptor; plus strand). Cytogenetic location: 7p21.1.
Variant type: single nucleotide variant.
Coding change: c.1156C>G on transcript NM_001621.5 (MANE Select); coding-DNA position 1156, C replaced by G.
Protein change: p.Leu386Val; replaces leucine 386 with valine.
Molecular consequence: missense variant.
Genome position (GRCh38, 1-based): chr7:17,335,782, C>G. VCF-style: chr7-17335782-C-G. GRCh37 (hg19) VCF-style: chr7-17375406-C-G.
Other names: short protein forms L386V.
Identifiers: ClinVar variation 965900 (VCV000965900.9), dbSNP rs1782348653, ClinGen allele CA366893120.